The following is an entry in ClinVar:

ClinVar aggregate classification (germline): Uncertain significance. Review status: criteria provided, multiple submitters, no conflicts (2 of 4 stars). 2 submissions from 2 submitters: Uncertain significance (2). Last evaluated 2025-03-24.

Conditions:
Inborn genetic diseases. Identifiers: MedGen C0950123, MeSH D030342.

Allele frequency attached by ClinVar (database versions not stated): gnomAD 0.00001; TOPMed 0.00002; gnomAD exomes 0.00001; ExAC 0.00005.
gnomAD v4.1: 22 of 1,614,006 alleles (0.0014%); highest among the groups gnomAD compares: East Asian, 0.0067%; no homozygotes.

Submissions (2):

Ambry Genetics
Classification: Uncertain significance for Inborn genetic diseases. Last evaluated: 2025-03-24. Review status: criteria provided, single submitter. Criteria: Ambry Variant Classification Scheme 2023. Collection method: clinical testing. Allele origin: germline.

Labcorp Genetics (formerly Invitae), Labcorp
Classification: Uncertain significance. Last evaluated: 2023-06-14. Review status: criteria provided, single submitter. Criteria: Invitae Variant Classification Sherloc (09022015). Collection method: clinical testing. Allele origin: germline.
Comment: Advanced modeling of protein sequence and biophysical properties (such as structural, functional, and spatial information, amino acid conservation, physicochemical variation, residue mobility, and thermodynamic stability) performed at Invitae indicates that this missense variant is not expected to disrupt DNAH9 protein function. ClinVar contains an entry for this variant (Variation ID: 1982173). This variant has not been reported in the literature in individuals affected with DNAH9-related conditions. This variant is present in population databases (rs201553604, gnomAD 0.03%). This sequence change replaces methionine, which is neutral and non-polar, with valine, which is neutral and non-polar, at codon 4360 of the DNAH9 protein (p.Met4360Val). In summary, the available evidence is currently insufficient to determine the role of this variant in disease. Therefore, it has been classified as a Variant of Uncertain Significance.

NM_001372.4(DNAH9):c.13078A>G (p.Met4360Val)

Gene: DNAH9 (dynein axonemal heavy chain 9; plus strand). Cytogenetic location: 17p12.
Variant type: single nucleotide variant.
Coding change: c.13078A>G on transcript NM_001372.4 (MANE Select); coding-DNA position 13078, A replaced by G.
Protein change: p.Met4360Val; replaces methionine 4360 with valine.
Molecular consequence: missense variant.
Genome position (GRCh38, 1-based): chr17:11,962,101, A>G. VCF-style: chr17-11962101-A-G. GRCh37 (hg19) VCF-style: chr17-11865418-A-G.
Other names: c.2014A>G, p.Met672Val (NM_004662.2); c.13078A>G (NM_001372.3); short protein forms M4360V, M672V.
Identifiers: ClinVar variation 1982173 (VCV001982173.3), dbSNP rs201553604, ClinGen allele CA8398336.